The following is an entry in ClinVar:

NM_153603.4(COG7):c.405C>T (p.Ser135=)

Gene: COG7 (component of oligomeric golgi complex 7; minus strand). Cytogenetic location: 16p12.2.
Variant type: single nucleotide variant.
Coding change: c.405C>T on transcript NM_153603.4 (MANE Select); coding-DNA position 405, C replaced by T.
Protein change: p.Ser135=; no amino-acid change (serine 135 retained).
Molecular consequence: synonymous variant.
Genome position (GRCh38, 1-based): chr16:23,445,078, G>A on the plus strand (C>T on the coding strand, the complement: COG7 is on the minus strand). VCF-style: chr16-23445078-G-A. GRCh37 (hg19) VCF-style: chr16-23456399-G-A.
Identifiers: ClinVar variation 382410 (VCV000382410.6), dbSNP rs143571247, ClinGen allele CA7961316.

ClinVar aggregate classification (germline): Likely benign. Review status: criteria provided, multiple submitters, no conflicts (2 of 4 stars). 3 submissions from 3 submitters: Likely benign (3). Last evaluated 2026-08-14.

Conditions:
COG7-related disorder. Also called: COG7-related condition.
COG7 congenital disorder of glycosylation (CDG2E). Also called: CONGENITAL DISORDER OF GLYCOSYLATION, TYPE IIe; CDG IIe. Identifiers: Orphanet 79333, MedGen C2931010, MONDO:0012118, OMIM 608779.

Allele frequency attached by ClinVar (database versions not stated): gnomAD exomes 0.00002 and 0.00006; ExAC 0.00007; gnomAD 0.00028 and 0.00030; ESP Exome Variant Server 0.00031; TOPMed 0.00031.
gnomAD v4.1: 71 of 1,613,714 alleles (0.0044%); highest among the groups gnomAD compares: African/African-American, 0.083%; no homozygotes.

Submissions (3):

PreventionGenetics, part of Exact Sciences
Classification: Likely benign for COG7-related condition. Last evaluated: 2026-08-14. Review status: criteria provided, single submitter. Criteria: ACMG Guidelines, 2015. Collection method: clinical testing. Allele origin: germline.
Comment: This variant is classified as likely benign based on ACMG/AMP sequence variant interpretation guidelines (Richards et al. 2015 PMID: 25741868, with internal and published modifications).

Labcorp Genetics (formerly Invitae), Labcorp
Classification: Likely benign for COG7 congenital disorder of glycosylation. Last evaluated: 2025-09-24. Review status: criteria provided, single submitter. Criteria: Invitae Variant Classification Sherloc (09022015). Collection method: clinical testing. Allele origin: germline.

GeneDx
Classification: Likely benign. Last evaluated: 2016-02-08. Review status: criteria provided, single submitter. Criteria: GeneDx Variant Classification (06012015). Collection method: clinical testing. Allele origin: germline. Affected: yes.
Comment: This variant is considered likely benign or benign based on one or more of the following criteria: it is a conservative change, it occurs at a poorly conserved position in the protein, it is predicted to be benign by multiple in silico algorithms, and/or has population frequency not consistent with disease.